The following is an entry in ClinVar:

ClinVar aggregate classification (germline): Likely pathogenic. Review status: criteria provided, multiple submitters, no conflicts (2 of 4 stars). 2 submissions from 2 submitters: Likely pathogenic (2). Last evaluated 2025-11-05.

Conditions:
Baller-Gerold syndrome (BGS). Also called: CRANIOSYNOSTOSIS WITH RADIAL DEFECTS. Identifiers: Orphanet 1225, MedGen C0265308, MONDO:0009039, OMIM 218600.

Allele frequency attached by ClinVar (database versions not stated): gnomAD exomes below 0.00001.
gnomAD v4.1: 2 of 1,483,976 alleles (0.00013%); highest among the groups gnomAD compares: Non-Finnish European, 0.00018%; no homozygotes.

Submissions (2):

Labcorp Genetics (formerly Invitae), Labcorp
Classification: Likely pathogenic for Baller-Gerold syndrome. Last evaluated: 2025-11-05. Review status: criteria provided, single submitter. Criteria: Invitae Variant Classification Sherloc (09022015). Collection method: clinical testing. Allele origin: germline.
Comment: This sequence change affects an acceptor splice site in intron 1 of the RECQL4 gene. It is expected to disrupt RNA splicing. Variants that disrupt the donor or acceptor splice site typically lead to a loss of protein function (PMID: 16199547), and loss-of-function variants in RECQL4 are known to be pathogenic (PMID: 12734318, 12952869). The frequency data for this variant in the population databases is considered unreliable, as metrics indicate poor data quality at this position in the gnomAD database. This variant has not been reported in the literature in individuals affected with RECQL4-related conditions. ClinVar contains an entry for this variant (Variation ID: 1325001). Algorithms developed to predict the effect of sequence changes on RNA splicing suggest that this variant may disrupt the consensus splice site. In summary, the currently available evidence indicates that the variant is pathogenic, but additional data are needed to prove that conclusively. Therefore, this variant has been classified as Likely Pathogenic.

Revvity Omics, Revvity
Classification: Likely pathogenic. Last evaluated: 2020-03-06. Review status: criteria provided, single submitter. Criteria: ACMG Guidelines, 2015. Collection method: clinical testing. Allele origin: germline.

Literature cited by the submitters: PubMed 16199547 (cited by Labcorp Genetics (formerly Invitae), Labcorp); PubMed 12734318 (cited by Labcorp Genetics (formerly Invitae), Labcorp); PubMed 12952869 (cited by Labcorp Genetics (formerly Invitae), Labcorp).

NM_004260.4(RECQL4):c.85-2A>G

Genes: RECQL4 (RecQ like helicase 4; minus strand), LOC130001411 (ATAC-STARR-seq lymphoblastoid silent region 19699; plus strand). Cytogenetic location: 8q24.3.
Variant type: single nucleotide variant.
Coding change: c.85-2A>G on transcript NM_004260.4 (MANE Select); the canonical splice acceptor site of the intron before coding-DNA position 85, A replaced by G.
Molecular consequence: splice acceptor variant. On other transcripts: 5 prime UTR variant (14), intron variant (1).
Genome position (GRCh38, 1-based): chr8:144,517,637, T>C on the plus strand (A>G on the coding strand, the complement: RECQL4 is on the minus strand). VCF-style: chr8-144517637-T-C. GRCh37 (hg19) VCF-style: chr8-145743021-T-C.
Other names: c.-638A>G (NM_001413021.1); c.-989A>G (NM_001413022.1, NM_001413023.1, NM_001413037.1 and 2 more transcripts); c.-886A>G (NM_001413024.1); c.-714A>G (NM_001413028.1); c.-1051A>G (NM_001413030.1, NM_001413031.1, NM_001413041.1); c.-893A>G (NM_001413034.1); c.-894A>G (NM_001413040.1); c.-1258A>G (NM_001413043.1); and 5 more.
Identifiers: ClinVar variation 1325001 (VCV001325001.8), dbSNP rs1227874093, ClinGen allele CA372693571.
Genomic context (GRCh38, chr8:144,517,637, plus strand): 5'-CCCCGCCGCCCCGCCGCGCGCTCACCGCGGGTCTCCTCCGGCGCCGCCTCCACGTCGTCC[T>C]GTAAAGGGAACGCGTCAGCCGCGGGCCGCGCCCTCAGCCCCTCGGCCCCTGGGCAGCCCG-3'